The following is an entry in ClinVar:

ClinVar aggregate classification (germline): Likely benign (1 of 4 stars; one submission).

Allele frequency attached by ClinVar (database versions not stated): ExAC 0.00001; gnomAD exomes 0.00001.
gnomAD v4.1: 9 of 1,210,936 alleles (0.00074%); highest among the groups gnomAD compares: Non-Finnish European, 0.001%; no homozygotes.

Submission:

CeGaT Center for Human Genetics Tuebingen
Classification: Likely benign. Last evaluated: 2024-05-01. Review status: criteria provided, single submitter. Criteria: CeGaT Center For Human Genetics Tuebingen Variant Classification Criteria Version 2. Collection method: clinical testing. Allele origin: germline. Affected: yes. Observed: 1 variant allele.
Comment: HUWE1: BP4, BP7

NM_031407.7(HUWE1):c.3687T>C (p.Gly1229=)

Genes: HUWE1 (HECT, UBA and WWE domain containing E3 ubiquitin protein ligase 1; minus strand), LOC126863263 (BRD4-independent group 4 enhancer GRCh37_chrX:53619238-53620437; plus strand). Cytogenetic location: Xp11.22.
Variant type: single nucleotide variant.
Coding change: c.3687T>C on transcript NM_031407.7 (MANE Select); coding-DNA position 3687, T replaced by C.
Protein change: p.Gly1229=; no amino-acid change (glycine 1229 retained).
Molecular consequence: synonymous variant.
Genome position (GRCh38, 1-based): chrX:53,593,418, A>G on the plus strand (T>C on the coding strand, the complement: HUWE1 is on the minus strand). VCF-style: chrX-53593418-A-G. GRCh37 (hg19) VCF-style: chrX-53620378-A-G.
Identifiers: ClinVar variation 3239354 (VCV003239354.19), dbSNP rs782732426.
Genomic context (GRCh38, chrX:53,593,418, plus strand): 5'-ACTCACTTTCTGAGTTACCACAAGGAAGCGCAGTGCACTGAACTGGGGAAAGTTCTGGAC[A>G]CCTCCAGGCAATTTGGCAGGCAGCGAATGTGGAGATTCAAGCACCGTGGTGGGATTCACC-3'
Protein context (NP_113584.3, residues 1219-1239): PHSLPAKLPG[Gly1229=]VQNFPQFSAL